The following is an entry in ClinVar:

ClinVar aggregate classification (germline): Uncertain significance. Review status: criteria provided, multiple submitters, no conflicts (2 of 4 stars). 2 submissions from 2 submitters: Uncertain significance (2). Last evaluated 2025-09-14.

Conditions:
Maturity-onset diabetes of the young type 6 (MODY6). Identifiers: Orphanet 552, MedGen C1853371, MONDO:0011668, OMIM 606394.

Allele frequency attached by ClinVar (database versions not stated): gnomAD exomes below 0.00001; ExAC 0.00001; gnomAD 0.00001; TOPMed 0.00002; ESP Exome Variant Server 0.00008.

Submissions (2):

Labcorp Genetics (formerly Invitae), Labcorp
Classification: Uncertain significance. Last evaluated: 2025-09-14. Review status: criteria provided, single submitter. Criteria: Invitae Variant Classification Sherloc (09022015). Collection method: clinical testing. Allele origin: germline.
Comment: This sequence change replaces serine, which is neutral and polar, with isoleucine, which is neutral and non-polar, at codon 347 of the NEUROD1 protein (p.Ser347Ile). This variant is present in population databases (rs367986359, gnomAD 0.002%). This variant has not been reported in the literature in individuals affected with NEUROD1-related conditions. ClinVar contains an entry for this variant (Variation ID: 2434329). Invitae Evidence Modeling of protein sequence and biophysical properties (such as structural, functional, and spatial information, amino acid conservation, physicochemical variation, residue mobility, and thermodynamic stability) indicates that this missense variant is not expected to disrupt NEUROD1 protein function with a negative predictive value of 80%. In summary, the available evidence is currently insufficient to determine the role of this variant in disease. Therefore, it has been classified as a Variant of Uncertain Significance.

Revvity Omics, Revvity
Classification: Uncertain significance for Maturity-onset diabetes of the young type 6. Last evaluated: 2022-03-07. Review status: criteria provided, single submitter. Criteria: ACMG Guidelines, 2015. Collection method: clinical testing. Allele origin: germline.

NM_002500.5(NEUROD1):c.1040G>T (p.Ser347Ile)

Gene: NEUROD1 (neuronal differentiation 1; minus strand). Cytogenetic location: 2q31.3.
Variant type: single nucleotide variant.
Coding change: c.1040G>T on transcript NM_002500.5 (MANE Select); coding-DNA position 1040, G replaced by T.
Protein change: p.Ser347Ile; replaces serine 347 with isoleucine.
Molecular consequence: missense variant.
Genome position (GRCh38, 1-based): chr2:181,677,821, C>A on the plus strand (G>T on the coding strand, the complement: NEUROD1 is on the minus strand). VCF-style: chr2-181677821-C-A. GRCh37 (hg19) VCF-style: chr2-182542548-C-A.
Other names: short protein forms S347I.
Identifiers: ClinVar variation 2434329 (VCV002434329.4), dbSNP rs367986359, ClinGen allele CA2011010.